The following is an entry in ClinVar:

NM_001372.4(DNAH9):c.4845_4848del (p.Leu1616fs)

Gene: DNAH9 (dynein axonemal heavy chain 9; plus strand). Cytogenetic location: 17p12.
Variant type: Deletion.
Coding change: c.4845_4848del on transcript NM_001372.4 (MANE Select); coding-DNA positions 4845 to 4848, 4 bases deleted (CCTT; older notation c.4845_4848delCCTT).
Protein change: p.Leu1616fs; shifts the reading frame from leucine 1616.
Molecular consequence: frameshift variant.
Genome position (GRCh38, 1-based): chr17:11,694,420-11,694,423, CCTT deleted; deleting any 4 consecutive bases within chr17:11,694,419-11,694,423 gives the same sequence; the c. name uses the placement nearest the transcript's 3' end. VCF-style (leftmost placement, unchanged base first): chr17-11694418-ATCCT-A. GRCh37 (hg19) VCF-style: chr17-11597735-ATCCT-A.
Other names: short protein forms L1616fs.
Identifiers: ClinVar variation 4856846 (VCV004856846.2).
Genomic context (GRCh38, chr17:11,694,418, plus strand): 5'-GACACCAAGAGGCTTGCCTTCCCGCGGTTTTACTTTCTCTCCTCCTCCGATCTGTTAGAC[ATCCT>A]TTCCAACGGCACAGCTCCACAACAGGTAAGCTGGAGGAGCATCTGCAGAAAGGTCTAGGA-3'

ClinVar aggregate classification (germline): Likely pathogenic (1 of 4 stars; one submission).

Submission:

Dasa
Classification: Likely pathogenic. Last evaluated: 2024-05-03. Review status: criteria provided, single submitter. Criteria: DASA Assertion Criteria. Collection method: clinical testing. Allele origin: germline.
Comment: NM_001372.4(DNAH9):c.4845_4848del (p.Leu1616Profs*27) is a frameshift variant in DNAH9 predicted to alter the reading frame and introduce a premature termination codon and is predicted to result in an absent or altered protein product. Loss of function is an established disease mechanism for DNAH9-associated disorders. Also, this variant is rare in population databases. Based on the currently available evidence, this variant is classified as likely pathogenic.